The following is an entry in ClinVar:

ClinVar aggregate classification (germline): Likely benign (1 of 4 stars; one submission).

Submission:

CeGaT Center for Human Genetics Tuebingen
Classification: Likely benign. Last evaluated: 2025-08-01. Review status: criteria provided, single submitter. Criteria: CeGaT Center For Human Genetics Tuebingen Variant Classification Criteria Version 2. Collection method: clinical testing. Allele origin: germline. Affected: yes. Observed: 1 variant allele.
Comment: DBH: PM2:Supporting, BP4, BP7

NM_000787.4(DBH):c.1815T>G (p.Ala605=)

Gene: DBH (dopamine beta-hydroxylase; plus strand). Cytogenetic location: 9q34.2.
Variant type: single nucleotide variant.
Coding change: c.1815T>G on transcript NM_000787.4 (MANE Select); coding-DNA position 1815, T replaced by G.
Protein change: p.Ala605=; no amino-acid change (alanine 605 retained).
Molecular consequence: synonymous variant.
Genome position (GRCh38, 1-based): chr9:133,658,408, T>G. VCF-style: chr9-133658408-T-G. GRCh37 (hg19) VCF-style: chr9-136523530-T-G.
Identifiers: ClinVar variation 4085843 (VCV004085843.8).